The following is an entry in ClinVar:

NM_006348.5(COG5):c.1247A>G (p.Tyr416Cys)

Gene: COG5 (component of oligomeric golgi complex 5; minus strand). Cytogenetic location: 7q22.3.
Variant type: single nucleotide variant.
Coding change: c.1247A>G on transcript NM_006348.5 (MANE Select); coding-DNA position 1247, A replaced by G.
Protein change: p.Tyr416Cys; replaces tyrosine 416 with cysteine.
Molecular consequence: missense variant.
Genome position (GRCh38, 1-based): chr7:107,298,208, T>C on the plus strand (A>G on the coding strand, the complement: COG5 is on the minus strand). VCF-style: chr7-107298208-T-C. GRCh37 (hg19) VCF-style: chr7-106938653-T-C.
Other names: c.1247A>G, p.Tyr416Cys (NM_001161520.2, NM_001379511.1, NM_001379512.1 and 3 more transcripts); c.677A>G, p.Tyr226Cys (NM_001379515.1); c.533A>G, p.Tyr178Cys (NM_001379516.1); short protein forms Y447C, Y226C, Y178C, Y416C.
Identifiers: ClinVar variation 194075 (VCV000194075.47), dbSNP rs41276187, ClinGen allele CA200954.

ClinVar aggregate classification (germline): Conflicting classifications of pathogenicity. Review status: criteria provided, conflicting classifications (1 of 4 stars). 7 submissions from 7 submitters: Uncertain significance (1); Benign (3); Likely benign (3). Last evaluated 2026-08-01.

Conditions:
COG5-congenital disorder of glycosylation. Also called: CDG IIi; CONGENITAL DISORDER OF GLYCOSYLATION, TYPE IIi; COG5-CDG. Identifiers: Orphanet 263487, MedGen C3150876, MONDO:0013325, OMIM 613612.

Allele frequency attached by ClinVar (database versions not stated): ESP Exome Variant Server 0.00377; gnomAD 0.00389; 1000 Genomes Project 30x 0.00390; 1000 Genomes Project 0.00399; ExAC 0.00458; gnomAD exomes 0.00474; TOPMed 0.00564.
gnomAD v4.1: 10,008 of 1,613,714 alleles (0.62%); highest among the groups gnomAD compares: Non-Finnish European, 0.75%; 43 homozygotes.

Submissions (7):

CeGaT Center for Human Genetics Tuebingen
Classification: Likely benign. Last evaluated: 2026-08-01. Review status: criteria provided, single submitter. Criteria: CeGaT Center For Human Genetics Tuebingen Variant Classification Criteria Version 2. Collection method: clinical testing. Allele origin: germline. Affected: yes. Observed: 11 variant alleles.
Comment: COG5: BP4, BS2

Labcorp Genetics (formerly Invitae), Labcorp
Classification: Benign for COG5-congenital disorder of glycosylation. Last evaluated: 2026-02-03. Review status: criteria provided, single submitter. Criteria: Invitae Variant Classification Sherloc (09022015). Collection method: clinical testing. Allele origin: germline.

Blueprint Genetics
Classification: Likely benign. Last evaluated: 2024-11-26. Review status: criteria provided, single submitter. Criteria: ACMG Guidelines, 2015. Collection method: clinical testing. Allele origin: germline.

Illumina Laboratory Services, Illumina
Classification: Uncertain significance for COG5-congenital disorder of glycosylation. Last evaluated: 2018-01-13. Review status: criteria provided, single submitter. Criteria: ICSL Variant Classification Criteria 13 December 2019. Collection method: clinical testing. Allele origin: germline.

GeneDx
Classification: Benign. Last evaluated: 2016-04-27. Review status: criteria provided, single submitter. Criteria: GeneDx Variant Classification (06012015). Collection method: clinical testing. Allele origin: germline. Affected: yes.
Comment: This variant is considered likely benign or benign based on one or more of the following criteria: it is a conservative change, it occurs at a poorly conserved position in the protein, it is predicted to be benign by multiple in silico algorithms, and/or has population frequency not consistent with disease.

Center for Pediatric Genomic Medicine, Children's Mercy Hospital and Clinics
Classification: Likely benign. Last evaluated: 2016-04-12. Review status: criteria provided, single submitter. Criteria: ACMG Guidelines, 2015. Collection method: clinical testing. Allele origin: germline.
ClinVar note: Converted during submission from Likely Benign to Likely benign.

Eurofins Ntd Llc (ga)
Classification: Benign. Last evaluated: 2015-05-05. Review status: criteria provided, single submitter. Criteria: EGL Classification Definitions 2015. Collection method: clinical testing. Allele origin: germline. Observed: 1 variant allele, 1 heterozygote.